The following is an entry in ClinVar:

ClinVar aggregate classification (germline): Uncertain significance (1 of 4 stars; one submission).

Conditions:
Predisposition to invasive fungal disease due to CARD9 deficiency (IMD103). Also called: IMMUNODEFICIENCY 103, SUSCEPTIBILITY TO FUNGAL INFECTIONS; CARD9 IMMUNODEFICIENCY; Candidiasis, familial, 2, autosomal recessive. Identifiers: Orphanet 457088, MedGen C1859353, MONDO:0008905, OMIM 212050.

Allele frequency attached by ClinVar (database versions not stated): gnomAD exomes below 0.00001.
gnomAD v4.1: 1 of 1,612,706 alleles (0.000062%); highest among the groups gnomAD compares: Non-Finnish European, 0.000085%; no homozygotes.

Submission:

Labcorp Genetics (formerly Invitae), Labcorp
Classification: Uncertain significance for Predisposition to invasive fungal disease due to CARD9 deficiency. Last evaluated: 2021-04-02. Review status: criteria provided, single submitter. Criteria: Invitae Variant Classification Sherloc (09022015). Collection method: clinical testing. Allele origin: germline.
Comment: This sequence change replaces glutamic acid with lysine at codon 239 of the CARD9 protein (p.Glu239Lys). The glutamic acid residue is highly conserved and there is a small physicochemical difference between glutamic acid and lysine. In summary, the available evidence is currently insufficient to determine the role of this variant in disease. Therefore, it has been classified as a Variant of Uncertain Significance. Algorithms developed to predict the effect of missense changes on protein structure and function are either unavailable or do not agree on the potential impact of this missense change (SIFT: "Deleterious"; PolyPhen-2: "Probably Damaging"; Align-GVGD: "Class C0"). This variant has not been reported in the literature in individuals with CARD9-related conditions. This variant is not present in population databases (ExAC no frequency).

NM_052813.5(CARD9):c.715G>A (p.Glu239Lys)

Gene: CARD9 (caspase recruitment domain family member 9; minus strand). Cytogenetic location: 9q34.3.
Variant type: single nucleotide variant.
Coding change: c.715G>A on transcript NM_052813.5 (MANE Select); coding-DNA position 715, G replaced by A.
Protein change: p.Glu239Lys; replaces glutamic acid 239 with lysine.
Molecular consequence: missense variant.
Genome position (GRCh38, 1-based): chr9:136,370,614, C>T on the plus strand (G>A on the coding strand, the complement: CARD9 is on the minus strand). VCF-style: chr9-136370614-C-T. GRCh37 (hg19) VCF-style: chr9-139265066-C-T.
Other names: c.715G>A, p.Glu239Lys (NM_052814.4); short protein forms E239K.
Identifiers: ClinVar variation 1407761 (VCV001407761.8), dbSNP rs2131443372, ClinGen allele CA375544573.